The following is an entry in ClinVar:

ClinVar aggregate classification (germline): Likely pathogenic (1 of 4 stars; one submission).

Conditions:
Glycogen storage disease, type IV (GSD4). Also called: AMYLOPECTINOSIS; ANDERSEN DISEASE; BRANCHER DEFICIENCY; CIRRHOSIS, FAMILIAL, WITH DEPOSITION OF ABNORMAL GLYCOGEN; GBE1 DEFICIENCY; GLYCOGEN BRANCHING ENZYME DEFICIENCY. Identifiers: Orphanet 367, MedGen C0017923, MONDO:0009292, OMIM 232500.
Glycogen storage disease IV, classic hepatic. Also called: GSD IV, CLASSIC HEPATIC. Identifiers: MedGen C1856301.

Allele frequency attached by ClinVar (database versions not stated): gnomAD exomes below 0.00001.
gnomAD v4.1: 1 of 1,487,560 alleles (0.000067%); no homozygotes.

Submission:

Labcorp Genetics (formerly Invitae), Labcorp
Classification: Likely pathogenic for Glycogen storage disease, type IV; Glycogen storage disease IV, classic hepatic. Last evaluated: 2023-05-12. Review status: criteria provided, single submitter. Criteria: Invitae Variant Classification Sherloc (09022015). Collection method: clinical testing. Allele origin: germline.
Comment: In summary, the currently available evidence indicates that the variant is pathogenic, but additional data are needed to prove that conclusively. Therefore, this variant has been classified as Likely Pathogenic. Algorithms developed to predict the effect of sequence changes on RNA splicing suggest that this variant may disrupt the consensus splice site. This variant has not been reported in the literature in individuals affected with GBE1-related conditions. The frequency data for this variant in the population databases is considered unreliable, as metrics indicate poor data quality at this position in the gnomAD database. This sequence change affects a donor splice site in intron 8 of the GBE1 gene. It is expected to disrupt RNA splicing. Variants that disrupt the donor or acceptor splice site typically lead to a loss of protein function (PMID: 16199547), and loss-of-function variants in GBE1 are known to be pathogenic (PMID: 15452297, 20058079).

Literature cited by the submitters: PubMed 16199547; PubMed 15452297; PubMed 20058079.

NM_000158.4(GBE1):c.1108+2T>C

Gene: GBE1 (1,4-alpha-glucan branching enzyme 1; minus strand). Cytogenetic location: 3p12.2.
Variant type: single nucleotide variant.
Coding change: c.1108+2T>C on transcript NM_000158.4 (MANE Select); the canonical splice donor site of the intron after coding-DNA position 1108, T replaced by C.
Molecular consequence: splice donor variant.
Genome position (GRCh38, 1-based): chr3:81,593,906, A>G on the plus strand (T>C on the coding strand, the complement: GBE1 is on the minus strand). VCF-style: chr3-81593906-A-G. GRCh37 (hg19) VCF-style: chr3-81643057-A-G.
Identifiers: ClinVar variation 2947678 (VCV002947678.3), dbSNP rs1183285612, ClinGen allele CA353685705.